The following is an entry in ClinVar:

NM_002875.5(RAD51):c.536G>T (p.Gly179Val)

Gene: RAD51 (RAD51 recombinase; plus strand). Cytogenetic location: 15q15.1.
Variant type: single nucleotide variant.
Coding change: c.536G>T on transcript NM_002875.5 (MANE Select); coding-DNA position 536, G replaced by T.
Protein change: p.Gly179Val; replaces glycine 179 with valine.
Molecular consequence: missense variant.
Genome position (GRCh38, 1-based): chr15:40,728,716, G>T. VCF-style: chr15-40728716-G-T. GRCh37 (hg19) VCF-style: chr15-41020914-G-T.
Other names: c.539G>T, p.Gly180Val (NM_001164269.2, NM_133487.4); c.536G>T, p.Gly179Val (NM_001164270.2); short protein forms G180V, G179V.
Identifiers: ClinVar variation 3656357 (VCV003656357.2).

ClinVar aggregate classification (germline): Uncertain significance (1 of 4 stars; one submission).

Submission:

Labcorp Genetics (formerly Invitae), Labcorp
Classification: Uncertain significance. Last evaluated: 2024-06-12. Review status: criteria provided, single submitter. Criteria: Invitae Variant Classification Sherloc (09022015). Collection method: clinical testing. Allele origin: germline.
Comment: This sequence change replaces glycine, which is neutral and non-polar, with valine, which is neutral and non-polar, at codon 179 of the RAD51 protein (p.Gly179Val). This variant is not present in population databases (gnomAD no frequency). This variant has not been reported in the literature in individuals affected with RAD51-related conditions. Advanced modeling of protein sequence and biophysical properties (such as structural, functional, and spatial information, amino acid conservation, physicochemical variation, residue mobility, and thermodynamic stability) performed at Invitae indicates that this missense variant is expected to disrupt RAD51 protein function with a positive predictive value of 80%. In summary, the available evidence is currently insufficient to determine the role of this variant in disease. Therefore, it has been classified as a Variant of Uncertain Significance.